The following is an entry in ClinVar:

ClinVar aggregate classification (germline): Uncertain significance (1 of 4 stars; one submission).

Conditions:
Mitochondrial complex II deficiency, nuclear type 1. Also called: SUCCINATE CoQ REDUCTASE DEFICIENCY. Identifiers: Orphanet 3208, MedGen C5700310, MONDO:0100294, OMIM 252011.
Pheochromocytoma/paraganglioma syndrome 5. Also called: Paragangliomas 5; SDHA-Related Hereditary Paraganglioma-Pheochromocytoma Syndrome. Identifiers: Orphanet 29072, MedGen C3279992, MONDO:0013602, OMIM 614165.

Submission:

Labcorp Genetics (formerly Invitae), Labcorp
Classification: Uncertain significance for Pheochromocytoma/paraganglioma syndrome 5; Mitochondrial complex II deficiency, nuclear type 1. Last evaluated: 2023-05-31. Review status: criteria provided, single submitter. Criteria: Invitae Variant Classification Sherloc (09022015). Collection method: clinical testing. Allele origin: germline.
Comment: Advanced modeling of protein sequence and biophysical properties (such as structural, functional, and spatial information, amino acid conservation, physicochemical variation, residue mobility, and thermodynamic stability) performed at Invitae indicates that this missense variant is not expected to disrupt SDHA protein function. This variant has not been reported in the literature in individuals affected with SDHA-related conditions. This variant is not present in population databases (gnomAD no frequency). This sequence change replaces glutamine, which is neutral and polar, with glutamic acid, which is acidic and polar, at codon 428 of the SDHA protein (p.Gln428Glu). In summary, the available evidence is currently insufficient to determine the role of this variant in disease. Therefore, it has been classified as a Variant of Uncertain Significance.

NM_004168.4(SDHA):c.1282C>G (p.Gln428Glu)

Gene: SDHA (succinate dehydrogenase complex flavoprotein subunit A; plus strand). Cytogenetic location: 5p15.33.
Variant type: single nucleotide variant.
Coding change: c.1282C>G on transcript NM_004168.4 (MANE Select); coding-DNA position 1282, C replaced by G.
Protein change: p.Gln428Glu; replaces glutamine 428 with glutamic acid.
Molecular consequence: missense variant.
Genome position (GRCh38, 1-based): chr5:236,449, C>G. VCF-style: chr5-236449-C-G. GRCh37 (hg19) VCF-style: chr5-236564-C-G.
Other names: c.1138C>G, p.Gln380Glu (NM_001294332.2); c.1282C>G, p.Gln428Glu (NM_001330758.2); short protein forms Q380E, Q428E.
Identifiers: ClinVar variation 2948408 (VCV002948408.3), dbSNP rs2477374599, ClinGen allele CA359013841.